The following is an entry in ClinVar:

NM_001253852.3(AP4B1):c.1181A>C (p.Gln394Pro)

Genes: AP4B1 (adaptor related protein complex 4 subunit beta 1; minus strand), AP4B1-AS1 (AP4B1 antisense RNA 1; plus strand). Cytogenetic location: 1p13.2.
Variant type: single nucleotide variant.
Coding change: c.1181A>C on transcript NM_001253852.3 (MANE Select); coding-DNA position 1181, A replaced by C.
Protein change: p.Gln394Pro; replaces glutamine 394 with proline.
Molecular consequence: missense variant.
Genome position (GRCh38, 1-based): chr1:113,898,735, T>G on the plus strand (A>C on the coding strand, the complement: AP4B1 is on the minus strand). VCF-style: chr1-113898735-T-G. GRCh37 (hg19) VCF-style: chr1-114441357-T-G.
Other names: c.884A>C, p.Gln295Pro (NM_001253853.3); c.677A>C, p.Gln226Pro (NM_001308312.2); c.1181A>C, p.Gln394Pro (NM_006594.5); short protein forms Q226P, Q295P, Q394P.
Identifiers: ClinVar variation 1991601 (VCV001991601.4), dbSNP rs2526555142, ClinGen allele CA341711597.
Genomic context (GRCh38, chr1:113,898,735, plus strand): 5'-CACCTGACAAAAAAAACAAAAATCCTAAAAAGGCAGGCATTACCTGTGGTAATGTGCTCT[T>G]GTCGAAGACCCAGCAACTCTGTTAAAATCTGAACACATTGATCTGTGTAAGTCCTGGCAA-3'
Protein context (NP_001240781.1, residues 384-404): QILTELLGLR[Gln394Pro]EHITTVVVQT

ClinVar aggregate classification (germline): Uncertain significance (1 of 4 stars; one submission).

Conditions:
Hereditary spastic paraplegia 47. Also called: CEREBRAL PALSY, SPASTIC QUADRIPLEGIC, 5; Spastic paraplegia 47, autosomal recessive; adaptor protein 4 (AP-4) deficiency syndrome. Identifiers: Orphanet 280763, MedGen C3279738, MONDO:0013551, OMIM 614066.

Allele frequency attached by ClinVar (database versions not stated): gnomAD exomes below 0.00001.
gnomAD v4.1: 1 of 1,609,712 alleles (0.000062%); highest among the groups gnomAD compares: Admixed American, 0.0017%; no homozygotes.

Submission:

Labcorp Genetics (formerly Invitae), Labcorp
Classification: Uncertain significance for Hereditary spastic paraplegia 47. Last evaluated: 2022-04-29. Review status: criteria provided, single submitter. Criteria: Invitae Variant Classification Sherloc (09022015). Collection method: clinical testing. Allele origin: germline.
Comment: Algorithms developed to predict the effect of missense changes on protein structure and function (SIFT, PolyPhen-2, Align-GVGD) all suggest that this variant is likely to be disruptive. In summary, the available evidence is currently insufficient to determine the role of this variant in disease. Therefore, it has been classified as a Variant of Uncertain Significance. This variant has not been reported in the literature in individuals affected with AP4B1-related conditions. This variant is not present in population databases (gnomAD no frequency). This sequence change replaces glutamine, which is neutral and polar, with proline, which is neutral and non-polar, at codon 394 of the AP4B1 protein (p.Gln394Pro).